The following is an entry in ClinVar:

ClinVar aggregate classification (germline): Pathogenic (1 of 4 stars; one submission).

Conditions:
LAMA2-related muscular dystrophy (LAMA2-RD). Also called: Laminin alpha 2-related dystrophy. Identifiers: MedGen C5679788, MONDO:0100228.

Submission:

Labcorp Genetics (formerly Invitae), Labcorp
Classification: Pathogenic for LAMA2-related muscular dystrophy. Last evaluated: 2025-12-01. Review status: criteria provided, single submitter. Criteria: Invitae Variant Classification Sherloc (09022015). Collection method: clinical testing. Allele origin: germline.
Comment: This sequence change creates a premature translational stop signal (p.Leu1790*) in the LAMA2 gene. It is expected to result in an absent or disrupted protein product. Loss-of-function variants in LAMA2 are known to be pathogenic (PMID: 18700894, 32904964). This variant is not present in population databases (gnomAD no frequency). This variant has not been reported in the literature in individuals affected with LAMA2-related conditions. ClinVar contains an entry for this variant (Variation ID: 2104781). For these reasons, this variant has been classified as Pathogenic.

Literature cited by the submitters: PubMed 18700894; PubMed 32904964.

NM_000426.4(LAMA2):c.5369_5370del (p.Leu1789_Leu1790insTer)

Gene: LAMA2 (laminin subunit alpha 2; plus strand). Cytogenetic location: 6q22.33.
Variant type: Deletion.
Coding change: c.5369_5370del on transcript NM_000426.4 (MANE Select); coding-DNA positions 5369 to 5370, 2 bases deleted (TG; older notation c.5369_5370delTG).
Protein change: p.Leu1789_Leu1790insTer.
Molecular consequence: nonsense.
Genome position (GRCh38, 1-based): chr6:129,393,179-129,393,180, TG deleted. VCF-style (leftmost placement, unchanged base first): chr6-129393178-TTG-T. GRCh37 (hg19) VCF-style: chr6-129714323-TTG-T.
Other names: c.5369_5370del, p.Leu1789_Leu1790insTer (NM_001079823.2).
Identifiers: ClinVar variation 2104781 (VCV002104781.4), dbSNP rs2482737363, ClinGen allele CA2580074975.
Genomic context (GRCh38, chr6:129,393,178, plus strand): 5'-AAGGATCTCCGGGAAAAACTGGCTGACTACAAAAACAAAGTTGATGATGCTTGGGACCTT[TTG>T]AGAGAAGCCACAGATAAAATCAGAGAAGCTAATCGCCTATTTGCAGTAAATCAGAAAAAC-3'